The following is an entry in ClinVar:

ClinVar aggregate classification (germline): Benign/Likely benign. Review status: criteria provided, multiple submitters, no conflicts (2 of 4 stars). 7 submissions from 6 submitters: Benign (5); Likely benign (2). Last evaluated 2026-02-03.

Conditions:
Sengers syndrome. Also called: MITOCHONDRIAL DNA DEPLETION SYNDROME 10 (CARDIOMYOPATHIC TYPE); Cardiomyopathy and cataract. Identifiers: Orphanet 1369, MedGen C1859317, MONDO:0008922, OMIM 212350.
Cataract 38. Also called: Cataract, autosomal recessive congenital 5; Cataract 38, autosomal recessive. Identifiers: Orphanet 91492, MedGen C3553494, MONDO:0013859, OMIM 614691.

Allele frequency attached by ClinVar (database versions not stated): TOPMed 0.00417; ESP Exome Variant Server 0.00469; 1000 Genomes Project 0.00559; 1000 Genomes Project 30x 0.00609.
gnomAD v4.1: 1,324 of 1,612,584 alleles (0.082%); highest among the groups gnomAD compares: African/African-American, 1.3%; 7 homozygotes.

Submissions (7):

Labcorp Genetics (formerly Invitae), Labcorp
Classification: Benign for Sengers syndrome; Cataract 38. Last evaluated: 2026-02-03. Review status: criteria provided, single submitter. Criteria: Invitae Variant Classification Sherloc (09022015). Collection method: clinical testing. Allele origin: germline.

Mayo Clinic Laboratories, Mayo Clinic
Classification: Benign. Last evaluated: 2025-02-20. Review status: criteria provided, single submitter. Criteria: ACMG Guidelines, 2015. Collection method: clinical testing. Allele origin: germline. Observed: 6 variant alleles.
Comment: BA1, BS1, BS2, BP4, BP7

Blueprint Genetics
Classification: Likely benign. Last evaluated: 2024-11-06. Review status: criteria provided, single submitter. Criteria: ACMG Guidelines, 2015. Collection method: clinical testing. Allele origin: germline.

CeGaT Center for Human Genetics Tuebingen
Classification: Likely benign. Last evaluated: 2024-08-01. Review status: criteria provided, single submitter. Criteria: CeGaT Center For Human Genetics Tuebingen Variant Classification Criteria Version 2. Collection method: clinical testing. Allele origin: germline. Affected: yes. Observed: 1 variant allele.
Comment: AGK: BP4, BS1

GeneDx
Classification: Benign. Last evaluated: 2019-05-17. Review status: criteria provided, single submitter. Criteria: GeneDx Variant Classification Process June 2021. Collection method: clinical testing. Allele origin: germline. Affected: yes.

Illumina Laboratory Services, Illumina
Classification: Benign for Sengers syndrome. Last evaluated: 2018-01-13. Review status: criteria provided, single submitter. Criteria: ICSL Variant Classification Criteria 13 December 2019. Collection method: clinical testing. Allele origin: germline.
Comment: This variant was observed in the ICSL laboratory as part of a predisposition screen in an ostensibly healthy population. It had not been previously curated by ICSL or reported in the Human Gene Mutation Database (HGMD: prior to June 1st, 2018), and was therefore a candidate for classification through an automated scoring system. Utilizing variant allele frequency, disease prevalence and penetrance estimates, and inheritance mode, an automated score was calculated to assess if this variant is too frequent to cause the disease. Based on the score and internal cut-off values, a variant classified as benign is not then subjected to further curation. The score for this variant resulted in a classification of benign for this disease.

Illumina Laboratory Services, Illumina
Classification: Benign for Cataract 38. Last evaluated: 2018-01-13. Review status: criteria provided, single submitter. Criteria: ICSL Variant Classification Criteria 13 December 2019. Collection method: clinical testing. Allele origin: germline.
Comment: the same text as in the submission from Illumina Laboratory Services, Illumina above.

NM_018238.4(AGK):c.424-4C>G

Gene: AGK (acylglycerol kinase; plus strand). Cytogenetic location: 7q34.
Variant type: single nucleotide variant.
Coding change: c.424-4C>G on transcript NM_018238.4 (MANE Select); 4 bases into the intron before coding-DNA position 424, C replaced by G.
Molecular consequence: intron variant.
Genome position (GRCh38, 1-based): chr7:141,615,467, C>G. VCF-style: chr7-141615467-C-G. GRCh37 (hg19) VCF-style: chr7-141315267-C-G.
Other names: p.?; c.424-4C>G (NM_001364948.3).
Identifiers: ClinVar variation 359058 (VCV000359058.35), dbSNP rs113085050, ClinGen allele CA4517458.
Genomic context (GRCh38, chr7:141,615,467, plus strand): 5'-CTTCTCCATTAAGCCTGATTTTCTGATCATAACAATAAAACTTTCCTCTTCTTTCCCCCC[C>G]CAGGCTACCTTCAGTAAGATTCCCATTGGATTTATCCCACTGGGAGAGACCAGTAGTTTG-3'